The following is an entry in ClinVar:

ClinVar aggregate classification (germline): Uncertain significance. Review status: criteria provided, multiple submitters, no conflicts (2 of 4 stars). 3 submissions from 3 submitters: Uncertain significance (3). Last evaluated 2025-06-10.

Conditions:
Autosomal recessive ataxia, Beauce type. Also called: Spinocerebellar ataxia, autosomal recessive 8; ATAXIA, RECESSIVE, OF BEAUCE; SYNE1-Related Autosomal Recessive Cerebellar Ataxia; SYNE1 Deficiency. Identifiers: Orphanet 88644, MedGen C1853116, MONDO:0012549, OMIM 610743.
Emery-Dreifuss muscular dystrophy 4, autosomal dominant (EDMD4). Also called: EMERY-DREIFUSS MUSCULAR DYSTROPHY 4 WITH VARIABLE FEATURES. Identifiers: Orphanet 261, MedGen C2751807, MONDO:0013071, OMIM 612998.

Allele frequency attached by ClinVar (database versions not stated): gnomAD 0.00001; TOPMed 0.00001.
gnomAD v4.1: 17 of 1,613,760 alleles (0.0011%); highest among the groups gnomAD compares: East Asian, 0.022%; no homozygotes.

Submissions (3):

Labcorp Genetics (formerly Invitae), Labcorp
Classification: Uncertain significance for Emery-Dreifuss muscular dystrophy 4, autosomal dominant; Autosomal recessive ataxia, Beauce type. Last evaluated: 2025-06-10. Review status: criteria provided, single submitter. Criteria: Invitae Variant Classification Sherloc (09022015). Collection method: clinical testing. Allele origin: germline.
Comment: This sequence change replaces arginine, which is basic and polar, with tryptophan, which is neutral and slightly polar, at codon 1322 of the SYNE1 protein (p.Arg1322Trp). This variant is not present in population databases (gnomAD no frequency). This variant has not been reported in the literature in individuals affected with SYNE1-related conditions. ClinVar contains an entry for this variant (Variation ID: 283764). An algorithm developed to predict the effect of missense changes on protein structure and function (PolyPhen-2) suggests that this variant is likely to be tolerated. In summary, the available evidence is currently insufficient to determine the role of this variant in disease. Therefore, it has been classified as a Variant of Uncertain Significance.

Athena Diagnostics
Classification: Uncertain significance. Last evaluated: 2018-12-26. Review status: criteria provided, single submitter. Criteria: Athena Diagnostics Criteria. Collection method: clinical testing. Allele origin: germline.

Eurofins Ntd Llc (ga)
Classification: Uncertain significance. Last evaluated: 2015-10-12. Review status: criteria provided, single submitter. Criteria: EGL Classification Definitions 2015. Collection method: clinical testing. Allele origin: germline. Observed: 1 variant allele, 1 heterozygote.

NM_182961.4(SYNE1):c.3943C>T (p.Arg1315Trp)

Gene: SYNE1 (spectrin repeat containing nuclear envelope protein 1; minus strand). Cytogenetic location: 6q25.2.
Variant type: single nucleotide variant.
Coding change: c.3943C>T on transcript NM_182961.4 (MANE Select); coding-DNA position 3943, C replaced by T.
Protein change: p.Arg1315Trp; replaces arginine 1315 with tryptophan.
Molecular consequence: missense variant.
Genome position (GRCh38, 1-based): chr6:152,442,140, G>A on the plus strand (C>T on the coding strand, the complement: SYNE1 is on the minus strand). VCF-style: chr6-152442140-G-A. GRCh37 (hg19) VCF-style: chr6-152763275-G-A.
Other names: c.3964C>T, p.Arg1322Trp (NM_033071.5); short protein forms R1315W, R1322W.
Identifiers: ClinVar variation 283764 (VCV000283764.7), dbSNP rs747574901, ClinGen allele CA10604589.